The following is an entry in ClinVar:

NM_019032.6(ADAMTSL4):c.1786C>T (p.Gln596Ter)

Genes: ADAMTSL4 (ADAMTS like 4; plus strand), ADAMTSL4-AS2 (ADAMTSL4 antisense RNA 2; minus strand). Cytogenetic location: 1q21.2.
Variant type: single nucleotide variant.
Coding change: c.1786C>T on transcript NM_019032.6 (MANE Select); coding-DNA position 1786, C replaced by T.
Protein change: p.Gln596Ter; replaces glutamine 596 with a stop codon.
Molecular consequence: nonsense.
Genome position (GRCh38, 1-based): chr1:150,556,975, C>T. VCF-style: chr1-150556975-C-T. GRCh37 (hg19) VCF-style: chr1-150529451-C-T.
Other names: c.1855C>T, p.Gln619Ter (NM_001288607.2, NM_001288608.2); c.1786C>T, p.Gln596Ter (NM_001378596.1, NM_025008.5); short protein forms Q596*, Q619*.
Identifiers: ClinVar variation 3076001 (VCV003076001.1), dbSNP rs2526718012, ClinGen allele CA342313309.
Genomic context (GRCh38, chr1:150,556,975, plus strand): 5'-TTCATTATCTTCTCTTCTCCCCAGATGATCTTTCAGGAGGAAAACCCAGGCGTTTTTTAT[C>T]AGTATGTCATCTCTTCACCTCCTCCAATCCTTGAGAACCCCACCCCAGAGCCCCCTGTCC-3'

ClinVar aggregate classification (germline): Pathogenic (1 of 4 stars; one submission).

Conditions:
Isolated ectopia lentis (ECTOL1). Identifiers: Orphanet 1885, MedGen C1851286, MONDO:0015998.

Submission:

Laboratory for Molecular Medicine, Mass General Brigham Personalized Medicine
Classification: Pathogenic for Isolated ectopia lentis. Last evaluated: 2014-01-10. Review status: criteria provided, single submitter. Criteria: ACMG Guidelines, 2015. Collection method: clinical testing. Allele origin: germline. Inheritance: Autosomal recessive inheritance.
Comment: The Gln596X variant in ADAMTSL4 has not been previously reported in individuals with isolated ectopia lentis or in large population studies. This nonsense variant leads to a premature termination codon at position 596, which is predicted to lead to a truncated or absent protein. Homozygous loss of function of the ADAMTSL4 gene has been descriebd as a cause of isolated ectopia lentis (Ahram 2009, Chandra 2012). In summary, this variant meets our criteria to be classified as pathogenic in a recessive manner for isolated ectopia lentis.

Literature cited by the submitters: PubMed 19200529; PubMed 22736615.